The following is an entry in ClinVar:

NM_004519.4(KCNQ3):c.109G>A (p.Gly37Ser)

Gene: KCNQ3 (potassium voltage-gated channel subfamily Q member 3; minus strand). Cytogenetic location: 8q24.22.
Variant type: single nucleotide variant.
Coding change: c.109G>A on transcript NM_004519.4 (MANE Select); coding-DNA position 109, G replaced by A.
Protein change: p.Gly37Ser; replaces glycine 37 with serine.
Molecular consequence: missense variant.
Genome position (GRCh38, 1-based): chr8:132,480,424, C>T on the plus strand (G>A on the coding strand, the complement: KCNQ3 is on the minus strand). VCF-style: chr8-132480424-C-T. GRCh37 (hg19) VCF-style: chr8-133492671-C-T.
Other names: short protein forms G37S.
Identifiers: ClinVar variation 2852199 (VCV002852199.3), dbSNP rs761996139, ClinGen allele CA372292881.

ClinVar aggregate classification (germline): Uncertain significance (1 of 4 stars; one submission).

Conditions:
Benign neonatal seizures. Also called: Convulsions benign familial neonatal dominant form; Autosomal dominant form of benign neonatal seizures; Benign neonatal familial convulsions; Benign familial neonatal epilepsy; Benign familial neonatal seizures. Identifiers: Orphanet 1949, MedGen C0220669, MONDO:0016027.

gnomAD v4.1: 4 of 1,466,672 alleles (0.00027%); highest among the groups gnomAD compares: Non-Finnish European, 0.00036%; no homozygotes.

Submission:

Labcorp Genetics (formerly Invitae), Labcorp
Classification: Uncertain significance for Benign neonatal seizures. Last evaluated: 2025-03-05. Review status: criteria provided, single submitter. Criteria: Invitae Variant Classification Sherloc (09022015). Collection method: clinical testing. Allele origin: germline.
Comment: This sequence change replaces glycine, which is neutral and non-polar, with serine, which is neutral and polar, at codon 37 of the KCNQ3 protein (p.Gly37Ser). This variant is not present in population databases (gnomAD no frequency). This variant has not been reported in the literature in individuals affected with KCNQ3-related conditions. ClinVar contains an entry for this variant (Variation ID: 2852199). Invitae Evidence Modeling of protein sequence and biophysical properties (such as structural, functional, and spatial information, amino acid conservation, physicochemical variation, residue mobility, and thermodynamic stability) indicates that this missense variant is not expected to disrupt KCNQ3 protein function with a negative predictive value of 95%. In summary, the available evidence is currently insufficient to determine the role of this variant in disease. Therefore, it has been classified as a Variant of Uncertain Significance.